The following is an entry in ClinVar:

ClinVar aggregate classification (germline): Uncertain significance (1 of 4 stars; one submission).

Submission:

GeneDx
Classification: Uncertain significance. Last evaluated: 2022-10-23. Review status: criteria provided, single submitter. Criteria: GeneDx Variant Classification Process June 2021. Collection method: clinical testing. Allele origin: germline. Affected: yes.
Comment: Not observed at significant frequency in large population cohorts (gnomAD); In silico analysis supports that this missense variant has a deleterious effect on protein structure/function; Has not been previously published as pathogenic or benign to our knowledge

NM_006662.3(SRCAP):c.212T>C (p.Leu71Pro)

Gene: SRCAP (Snf2 related CREBBP activator protein; plus strand). Cytogenetic location: 16p11.2.
Variant type: single nucleotide variant.
Coding change: c.212T>C on transcript NM_006662.3 (MANE Select); coding-DNA position 212, T replaced by C.
Protein change: p.Leu71Pro; replaces leucine 71 with proline.
Molecular consequence: missense variant.
Genome position (GRCh38, 1-based): chr16:30,704,221, T>C. VCF-style: chr16-30704221-T-C. GRCh37 (hg19) VCF-style: chr16-30715542-T-C.
Other names: short protein forms L71P.
Identifiers: ClinVar variation 2499784 (VCV002499784.1), dbSNP rs2506599043, ClinGen allele CA395597123.
Genomic context (GRCh38, chr16:30,704,221, plus strand): 5'-TAGCTCAAGATTCCTCACTGGATGGACCTCCAGGCCCCCCAGATGGTGCCACAGTGCCCC[T>C]GGAGGGGTTCAGCTTATCCCAGGCTGCTGACCTGGCTAACAAGGGCCCGAAGTGGGAGAA-3'
Protein context (NP_006653.2, residues 61-81): PGPPDGATVP[Leu71Pro]EGFSLSQAAD